The following is an entry in ClinVar:

NM_012330.4(KAT6B):c.6172A>G (p.Asn2058Asp)

Gene: KAT6B (lysine acetyltransferase 6B; plus strand). Cytogenetic location: 10q22.2.
Variant type: single nucleotide variant.
Coding change: c.6172A>G on transcript NM_012330.4 (MANE Select); coding-DNA position 6172, A replaced by G.
Protein change: p.Asn2058Asp; replaces asparagine 2058 with aspartic acid.
Molecular consequence: missense variant.
Genome position (GRCh38, 1-based): chr10:75,030,996, A>G. VCF-style: chr10-75030996-A-G. GRCh37 (hg19) VCF-style: chr10-76790754-A-G.
Other names: c.5623A>G, p.Asn1875Asp (NM_001256468.2, NM_001370138.1); c.5296A>G, p.Asn1766Asp (NM_001256469.2, NM_001370139.1, NM_001370140.1 and 2 more transcripts); c.5134A>G, p.Asn1712Asp (NM_001370132.1); c.4483A>G, p.Asn1495Asp (NM_001370133.1); c.4087A>G, p.Asn1363Asp (NM_001370134.1); c.3829A>G, p.Asn1277Asp (NM_001370135.1); c.6172A>G, p.Asn2058Asp (NM_001370136.1, NM_001370137.1); c.5107A>G, p.Asn1703Asp (NM_001370143.1, NM_001370144.1); short protein forms N1495D, N1766D, N1277D, N1703D, N1712D, N2058D, N1363D, N1875D.
Identifiers: ClinVar variation 2141085 (VCV002141085.4), dbSNP rs149966353, ClinGen allele CA5565325.

ClinVar aggregate classification (germline): Uncertain significance (1 of 4 stars; one submission).

Conditions:
Genitopatellar syndrome (GTPTS). Also called: Genitopatellar syndrome (GPS); ABSENT PATELLAE, SCROTAL HYPOPLASIA, RENAL ANOMALIES, FACIAL DYSMORPHISM, AND MENTAL RETARDATION. Identifiers: Orphanet 85201, MedGen C1853566, MONDO:0011640, OMIM 606170.

Allele frequency attached by ClinVar (database versions not stated): ExAC 0.00001; gnomAD 0.00001; gnomAD exomes 0.00001; TOPMed 0.00001; ESP Exome Variant Server 0.00008.
gnomAD v4.1: 5 of 1,614,064 alleles (0.00031%); highest among the groups gnomAD compares: Non-Finnish European, 0.00042%; no homozygotes.

Submission:

Labcorp Genetics (formerly Invitae), Labcorp
Classification: Uncertain significance for Genitopatellar syndrome. Last evaluated: 2022-09-09. Review status: criteria provided, single submitter. Criteria: Invitae Variant Classification Sherloc (09022015). Collection method: clinical testing. Allele origin: germline.
Comment: This sequence change replaces asparagine, which is neutral and polar, with aspartic acid, which is acidic and polar, at codon 2058 of the KAT6B protein (p.Asn2058Asp). In summary, the available evidence is currently insufficient to determine the role of this variant in disease. Therefore, it has been classified as a Variant of Uncertain Significance. Algorithms developed to predict the effect of missense changes on protein structure and function are either unavailable or do not agree on the potential impact of this missense change (SIFT: "Deleterious"; PolyPhen-2: "Probably Damaging"; Align-GVGD: "Class C0"). This variant has not been reported in the literature in individuals affected with KAT6B-related conditions. This variant is present in population databases (rs149966353, gnomAD 0.0009%).